The following is an entry in ClinVar:

ClinVar aggregate classification (germline): Uncertain significance (1 of 4 stars; one submission).

Conditions:
Charcot-Marie-Tooth disease dominant intermediate C (CMTDIC). Also called: CHARCOT-MARIE-TOOTH NEUROPATHY, DOMINANT INTERMEDIATE C. Identifiers: Orphanet 100045, MedGen C1842237, MONDO:0012012, OMIM 608323.

Submission:

Labcorp Genetics (formerly Invitae), Labcorp
Classification: Uncertain significance for Charcot-Marie-Tooth disease dominant intermediate C. Last evaluated: 2021-03-15. Review status: criteria provided, single submitter. Criteria: Invitae Variant Classification Sherloc (09022015). Collection method: clinical testing. Allele origin: germline.
Comment: In summary, the available evidence is currently insufficient to determine the role of this variant in disease. Therefore, it has been classified as a Variant of Uncertain Significance. Algorithms developed to predict the effect of missense changes on protein structure and function are either unavailable or do not agree on the potential impact of this missense change (SIFT: "Not Available"; PolyPhen-2: "Possibly Damaging"; Align-GVGD: "Not Available"). This variant has not been reported in the literature in individuals with YARS-related conditions. This variant is not present in population databases (ExAC no frequency). This sequence change replaces leucine with phenylalanine at codon 89 of the YARS protein (p.Leu89Phe). The leucine residue is highly conserved and there is a small physicochemical difference between leucine and phenylalanine.

NM_003680.4(YARS1):c.265C>T (p.Leu89Phe)

Gene: YARS1 (tyrosyl-tRNA synthetase 1; minus strand). Cytogenetic location: 1p35.1.
Variant type: single nucleotide variant.
Coding change: c.265C>T on transcript NM_003680.4 (MANE Select); coding-DNA position 265, C replaced by T.
Protein change: p.Leu89Phe; replaces leucine 89 with phenylalanine.
Molecular consequence: missense variant.
Genome position (GRCh38, 1-based): chr1:32,810,706, G>A on the plus strand (C>T on the coding strand, the complement: YARS1 is on the minus strand). VCF-style: chr1-32810706-G-A. GRCh37 (hg19) VCF-style: chr1-33276307-G-A.
Other names: short protein forms L89F.
Identifiers: ClinVar variation 1681532 (VCV001681532.6), dbSNP rs2148616548, ClinGen allele CA339687247.